The following is an entry in ClinVar:

NM_007078.3(LDB3):c.1567C>G (p.Pro523Ala)

Gene: LDB3 (LIM domain binding 3; plus strand). Cytogenetic location: 10q23.2.
Variant type: single nucleotide variant.
Coding change: c.1567C>G on transcript NM_007078.3 (MANE Select); coding-DNA position 1567, C replaced by G.
Protein change: p.Pro523Ala; replaces proline 523 with alanine.
Molecular consequence: missense variant. On other transcripts: genic downstream transcript variant (1).
Genome position (GRCh38, 1-based): chr10:86,716,662, C>G. VCF-style: chr10-86716662-C-G. GRCh37 (hg19) VCF-style: chr10-88476419-C-G.
Other names: p.P523A:CCA>GCA; c.1567C>G (LRG_385t1); c.*17288C>G (LRG_385t2, NM_001080116.1); c.1237C>G, p.Pro413Ala (NM_001080114.2); c.1582C>G, p.Pro528Ala (NM_001171610.2); c.1378C>G, p.Pro460Ala (NM_001368064.1, NM_001368065.1); c.1426C>G, p.Pro476Ala (NM_001368066.1); short protein forms P523A, P460A, P476A, P528A, P413A.
Identifiers: ClinVar variation 201850 (VCV000201850.8), dbSNP rs794729062, ClinGen allele CA308636.
Genomic context (GRCh38, chr10:86,716,662, plus strand): 5'-GGCAAGAGCACCACCTCCATCAGCAAGCAGACCCTGCCCCGGGGAGGCCCAGCCTACACC[C>G]CAGCGGGTCCTCAGGTGCCACCACTTGCCAGGGGGACCGTCCAGAGGGCTGAGCGATTCC-3'
Protein context (NP_009009.1, residues 513-533): TLPRGGPAYT[Pro523Ala]AGPQVPPLAR

ClinVar aggregate classification (germline): Conflicting classifications of pathogenicity. Review status: criteria provided, conflicting classifications (1 of 4 stars). 4 submissions from 4 submitters: Uncertain significance (3); Likely benign (1). Last evaluated 2025-02-19.

Conditions:
Myofibrillar myopathy 4. Also called: Zaspopathy (type). Identifiers: Orphanet 98912, MedGen C4721886, MONDO:0012277, OMIM 609452.
Dilated cardiomyopathy 1C (CMD1C). Also called: CARDIOMYOPATHY, DILATED, 1C, WITH OR WITHOUT LEFT VENTRICULAR NONCOMPACTION; Cardiomyopathy, dilated, 1C, with or without LVNC. Identifiers: Orphanet 154, Orphanet 54260, MedGen C1832244, MONDO:0011094, OMIM 601493.
Cardiovascular phenotype. Identifiers: MedGen CN230736.

Allele frequency attached by ClinVar (database versions not stated): gnomAD exomes below 0.00001; gnomAD 0.00001; TOPMed 0.00001.
gnomAD v4.1: 44 of 1,613,898 alleles (0.0027%); highest among the groups gnomAD compares: Non-Finnish European, 0.0036%; no homozygotes.

Submissions (4):

Labcorp Genetics (formerly Invitae), Labcorp
Classification: Uncertain significance for Myofibrillar myopathy 4. Last evaluated: 2025-02-19. Review status: criteria provided, single submitter. Criteria: Invitae Variant Classification Sherloc (09022015). Collection method: clinical testing. Allele origin: germline.
Comment: The LDB3 gene has multiple clinically relevant transcripts. This variant occurs in alternate transcript NM_007078.3, and corresponds to NM_001080116.1:c.*17288C>G in the primary transcript. This sequence change replaces proline, which is neutral and non-polar, with alanine, which is neutral and non-polar, at codon 523 of the LDB3 protein (p.Pro523Ala). This variant is present in population databases (rs794729062, gnomAD 0.004%). This variant has not been reported in the literature in individuals affected with LDB3-related conditions. ClinVar contains an entry for this variant (Variation ID: 201850). Experimental studies and prediction algorithms are not available or were not evaluated, and the functional significance of this variant is currently unknown. In summary, the available evidence is currently insufficient to determine the role of this variant in disease. Therefore, it has been classified as a Variant of Uncertain Significance.

Ambry Genetics
Classification: Likely benign for Cardiovascular phenotype. Last evaluated: 2024-03-21. Review status: criteria provided, single submitter. Criteria: Ambry Variant Classification Scheme 2023. Collection method: clinical testing. Allele origin: germline.

Fulgent Genetics
Classification: Uncertain significance for Dilated cardiomyopathy 1C; Myofibrillar myopathy 4. Last evaluated: 2021-07-01. Review status: criteria provided, single submitter. Criteria: ACMG Guidelines, 2015. Collection method: clinical testing. Allele origin: unknown.

GeneDx
Classification: Uncertain significance. Last evaluated: 2017-04-11. Review status: criteria provided, single submitter. Criteria: GeneDx Variant Classification (06012015). Collection method: clinical testing. Allele origin: germline. Affected: yes.
Comment: p.Pro523Ala (CCA>GCA): c.1567 C>G in exon 9 of the LDB3 gene (NM_007078.2). The Pro523Ala variant in the LDB3 gene has not been reported as a disease-causing mutation or as a benign polymorphism to our knowledge. Pro523Ala results in a semi-conservative amino acid substitution of sterically constrained Proline with a non-polar Alanine at a position that is conserved across species. In silico analysis predicts Pro523Ala is possibly damaging to the protein structure/function. Additionally, the NHLBI ESP Exome Variant Server reports Pro523Ala was not observed in approximately 6,000 samples from individuals of European and African American backgrounds, indicating it is not a common benign variant in these populations. Nevertheless, no mutations in nearby codons have been reported in association with cardiomyopathy. With the clinical and molecular information available at this time, we cannot definitively determine if Pro523Ala is a disease-causing mutation or a rare benign variant. The variant is found in DCM panel(s).